The following is an entry in ClinVar:

GRCh38/hg38 2p22.2(chr2:37934293-38132653)x1

Genes: CYP1B1 (cytochrome P450 family 1 subfamily B member 1; minus strand), CYP1B1-AS1 (CYP1B1 antisense RNA 1; plus strand), RMDN2 (regulator of microtubule dynamics 2; plus strand), RMDN2-AS1 (RMDN2 antisense RNA 1; minus strand), LOC110599580 (CYP1B1 promoter; plus strand) and 2 more. Cytogenetic location: 2p22.2.
Variant type: copy number loss.
Change: copy number 1 (one copy instead of two) of chr2:37,934,293-38,132,653 (198.4 kb, GRCh38 coordinates, 1-based), cytogenetic band 2p22.2.
Identifiers: ClinVar variation 4796186 (VCV004796186.1).

ClinVar aggregate classification (germline): Uncertain significance (1 of 4 stars; one submission).

Submission:

Medical Genetic Center, Changzhi Maternal and Child Health Care Hospital
Classification: Uncertain significance. Last evaluated: 2025-12-10. Review status: criteria provided, single submitter. Criteria: ACMG/ClinGen CNV Guidelines, 2019. Collection method: clinical testing. Allele origin: unknown.